The following is an entry in ClinVar:

ClinVar aggregate classification (germline): Uncertain significance (1 of 4 stars; one submission).

Conditions:
Baller-Gerold syndrome (BGS). Also called: CRANIOSYNOSTOSIS WITH RADIAL DEFECTS. Identifiers: Orphanet 1225, MedGen C0265308, MONDO:0009039, OMIM 218600.

Allele frequency attached by ClinVar (database versions not stated): gnomAD exomes below 0.00001; ExAC 0.00001; TOPMed 0.00002; gnomAD 0.00004; 1000 Genomes Project 0.00020; 1000 Genomes Project 30x 0.00031.
gnomAD v4.1: 7 of 1,612,614 alleles (0.00043%); highest among the groups gnomAD compares: African/African-American, 0.0093%; no homozygotes.

Submission:

Labcorp Genetics (formerly Invitae), Labcorp
Classification: Uncertain significance for Baller-Gerold syndrome. Last evaluated: 2022-10-13. Review status: criteria provided, single submitter. Criteria: Invitae Variant Classification Sherloc (09022015). Collection method: clinical testing. Allele origin: germline.
Comment: This variant is present in population databases (rs529113837, gnomAD 0.01%). This sequence change replaces isoleucine, which is neutral and non-polar, with methionine, which is neutral and non-polar, at codon 1143 of the RECQL4 protein (p.Ile1143Met). This variant has not been reported in the literature in individuals affected with RECQL4-related conditions. In summary, the available evidence is currently insufficient to determine the role of this variant in disease. Therefore, it has been classified as a Variant of Uncertain Significance. Advanced modeling of protein sequence and biophysical properties (such as structural, functional, and spatial information, amino acid conservation, physicochemical variation, residue mobility, and thermodynamic stability) performed at Invitae indicates that this missense variant is expected to disrupt RECQL4 protein function. ClinVar contains an entry for this variant (Variation ID: 459476).

NM_004260.4(RECQL4):c.3429C>G (p.Ile1143Met)

Gene: RECQL4 (RecQ like helicase 4; minus strand). Cytogenetic location: 8q24.3.
Variant type: single nucleotide variant.
Coding change: c.3429C>G on transcript NM_004260.4 (MANE Select); coding-DNA position 3429, C replaced by G.
Protein change: p.Ile1143Met; replaces isoleucine 1143 with methionine.
Molecular consequence: missense variant.
Genome position (GRCh38, 1-based): chr8:144,511,754, G>C on the plus strand (C>G on the coding strand, the complement: RECQL4 is on the minus strand). VCF-style: chr8-144511754-G-C. GRCh37 (hg19) VCF-style: chr8-145737137-G-C.
Other names: short protein forms I1143M.
Identifiers: ClinVar variation 459476 (VCV000459476.5), dbSNP rs529113837, ClinGen allele CA4947741.